The following is an entry in ClinVar:

NM_004656.4(BAP1):c.820C>T (p.His274Tyr)

Gene: BAP1 (BRCA1 associated deubiquitinase 1; minus strand). Cytogenetic location: 3p21.1.
Variant type: single nucleotide variant.
Coding change: c.820C>T on transcript NM_004656.4 (MANE Select); coding-DNA position 820, C replaced by T.
Protein change: p.His274Tyr; replaces histidine 274 with tyrosine.
Molecular consequence: missense variant.
Genome position (GRCh38, 1-based): chr3:52,405,876, G>A on the plus strand (C>T on the coding strand, the complement: BAP1 is on the minus strand). VCF-style: chr3-52405876-G-A. GRCh37 (hg19) VCF-style: chr3-52439892-G-A.
Other names: c.766C>T, p.His256Tyr (NM_001410772.1); short protein forms H256Y, H274Y.
Identifiers: ClinVar variation 2626742 (VCV002626742.3), dbSNP rs763382761, ClinGen allele CA2436986.

ClinVar aggregate classification (germline): Uncertain significance. Review status: criteria provided, multiple submitters, no conflicts (2 of 4 stars). 2 submissions from 2 submitters: Uncertain significance (2). Last evaluated 2025-12-03.

Conditions:
Hereditary cancer-predisposing syndrome. Also called: Tumor predisposition; Hereditary Cancer Syndrome; Hereditary neoplastic syndrome; Neoplastic Syndromes, Hereditary. Identifiers: Orphanet 140162, MedGen C0027672, MeSH D009386, MONDO:0015356.
BAP1-related tumor predisposition syndrome (TPDS1). Also called: Tumor susceptibility linked to germline BAP1 mutations; TUMOR PREDISPOSITION SYNDROME 1; BAP1 tumor predisposition syndrome; COMMON Syndrome. Identifiers: Orphanet 289539, MedGen C3280492, MONDO:0013692, OMIM 614327.

Allele frequency attached by ClinVar (database versions not stated): gnomAD exomes below 0.00001; ExAC 0.00001.
gnomAD v4.1: 1 of 1,614,146 alleles (0.000062%); highest among the groups gnomAD compares: South Asian, 0.0011%; no homozygotes.

Submissions (2):

Labcorp Genetics (formerly Invitae), Labcorp
Classification: Uncertain significance for BAP1-related tumor predisposition syndrome. Last evaluated: 2025-12-03. Review status: criteria provided, single submitter. Criteria: Invitae Variant Classification Sherloc (09022015). Collection method: clinical testing. Allele origin: germline.
Comment: This sequence change replaces histidine, which is basic and polar, with tyrosine, which is neutral and polar, at codon 274 of the BAP1 protein (p.His274Tyr). This variant is present in population databases (rs763382761, gnomAD 0.003%). This variant has not been reported in the literature in individuals affected with BAP1-related conditions. ClinVar contains an entry for this variant (Variation ID: 2626742). Invitae Evidence Modeling of protein sequence and biophysical properties (such as structural, functional, and spatial information, amino acid conservation, physicochemical variation, residue mobility, and thermodynamic stability) indicates that this missense variant is not expected to disrupt BAP1 protein function with a negative predictive value of 80%. In summary, the available evidence is currently insufficient to determine the role of this variant in disease. Therefore, it has been classified as a Variant of Uncertain Significance.

Ambry Genetics
Classification: Uncertain significance for Hereditary cancer-predisposing syndrome. Last evaluated: 2023-08-08. Review status: criteria provided, single submitter. Criteria: Ambry Variant Classification Scheme 2023. Collection method: clinical testing. Allele origin: germline.
Comment: The p.H274Y variant (also known as c.820C>T), located in coding exon 10 of the BAP1 gene, results from a C to T substitution at nucleotide position 820. The histidine at codon 274 is replaced by tyrosine, an amino acid with similar properties. This amino acid position is not well conserved in available vertebrate species. In addition, this alteration is predicted to be tolerated by in silico analysis. Since supporting evidence is limited at this time, the clinical significance of this alteration remains unclear.